The following is an entry in ClinVar:

ClinVar aggregate classification (germline): Uncertain significance (1 of 4 stars; one submission).

Allele frequency attached by ClinVar (database versions not stated): ExAC 0.00001; TOPMed 0.00004; gnomAD 0.00006.
gnomAD v4.1: 15 of 1,613,968 alleles (0.00093%); highest among the groups gnomAD compares: African/African-American, 0.019%; no homozygotes.

Submission:

Labcorp Genetics (formerly Invitae), Labcorp
Classification: Uncertain significance. Last evaluated: 2022-10-02. Review status: criteria provided, single submitter. Criteria: Invitae Variant Classification Sherloc (09022015). Collection method: clinical testing. Allele origin: germline.
Comment: In summary, the available evidence is currently insufficient to determine the role of this variant in disease. Therefore, it has been classified as a Variant of Uncertain Significance. This variant has not been reported in the literature in individuals affected with IL18BP-related conditions. This variant is present in population databases (rs776816823, gnomAD 0.02%). This sequence change falls in intron 2 of the IL18BP gene. It does not directly change the encoded amino acid sequence of the IL18BP protein.

NM_001039660.2(IL18BP):c.236-4C>T

Gene: IL18BP (interleukin 18 binding protein; plus strand). Cytogenetic location: 11q13.4.
Variant type: single nucleotide variant.
Coding change: c.236-4C>T on transcript NM_001039660.2 (MANE Select); 4 bases into the intron before coding-DNA position 236, C replaced by T.
Molecular consequence: intron variant.
Genome position (GRCh38, 1-based): chr11:72,001,197, C>T. VCF-style: chr11-72001197-C-T. GRCh37 (hg19) VCF-style: chr11-71712243-C-T.
Other names: c.236-4C>T (NM_001039659.2, NM_173044.3, NM_005699.3 and 2 more transcripts); c.236-587C>T (NM_001145055.1).
Identifiers: ClinVar variation 2183672 (VCV002183672.4), dbSNP rs776816823, ClinGen allele CA6166165.